The following is an entry in ClinVar:

ClinVar aggregate classification (germline): Benign. Review status: reviewed by expert panel (3 of 4 stars). 14 submissions from 14 submitters: Benign (1). 13 of the submissions do not count toward it. Last evaluated 2017-04-03.

Conditions:
BRAF-related disorder. Also called: BRAF-related condition.
Noonan syndrome and Noonan-related syndrome. Identifiers: Orphanet 98733, MedGen C5681679, MONDO:0020297.
Cardiovascular phenotype. Identifiers: MedGen CN230736.
RASopathy. Also called: rasopathies; Noonan spectrum disorder. Identifiers: Orphanet 536391, MedGen C5555857, MONDO:0021060.
Cardiomyopathy (CMYO). Also called: Cardiomyopathies. Identifiers: Orphanet 167848, MedGen C0878544, MONDO:0004994, HP:0001638. Inheritance: Various modes of inheritance.

Allele frequency attached by ClinVar (database versions not stated): ExAC 0.00010; gnomAD exomes 0.00023 and 0.00073; gnomAD 0.00025 and 0.00030; 1000 Genomes Project 30x 0.00047; TOPMed 0.00049.
gnomAD v4.1: 371 of 1,482,198 alleles (0.025%); highest among the groups gnomAD compares: East Asian, 0.79%; 3 homozygotes.

Submissions (14):

ClinGen RASopathy Variant Curation Expert Panel
Classification: Benign for Noonan syndrome and Noonan-related syndrome. Last evaluated: 2017-04-03. Review status: reviewed by expert panel. Criteria: ClinGen RASopathy ACMG Specifications v1. Collection method: curation. Allele origin: germline. Inheritance: Autosomal dominant inheritance.
Comment: The variant c.64G>A (p.Asp22Asn) in BRAF was observed in a healthy adult individual who did not have clinical features of a RASopathy (BS2; Partners LMM and GeneDx internal data; GTR ID's: 21766, 26957; SCV000061615.5, SCV000057172.10). This variant has been observed in trans with a pathogenic variant for a fully penetrant dominant gene/disorder (BP2_Strong; LabCorp internal data GTR ID: 500026, ClinVar SCV000698345.1). In summary, this variant meets criteria to be classified as benign. RASopathy-specific ACMG/AMP criteria applied (PMID:29493581): BP2_S, BS2.

Labcorp Genetics (formerly Invitae), Labcorp
Classification: Benign for RASopathy. Last evaluated: 2026-01-10. Review status: criteria provided, single submitter. Criteria: Invitae Variant Classification Sherloc (09022015). Collection method: clinical testing. Allele origin: germline. Not counted in ClinVar's aggregate classification.

CeGaT Center for Human Genetics Tuebingen
Classification: Likely benign. Last evaluated: 2025-10-01. Review status: criteria provided, single submitter. Criteria: CeGaT Center For Human Genetics Tuebingen Variant Classification Criteria Version 2. Collection method: clinical testing. Allele origin: germline. Affected: yes. Observed: 3 variant alleles. Not counted in ClinVar's aggregate classification.
Comment: BRAF: BS1

Blueprint Genetics
Classification: Likely benign. Last evaluated: 2024-10-25. Review status: criteria provided, single submitter. Criteria: ACMG Guidelines, 2015. Collection method: clinical testing. Allele origin: germline. Not counted in ClinVar's aggregate classification.

Ambry Genetics
Classification: Benign for Cardiovascular phenotype. Last evaluated: 2022-03-14. Review status: criteria provided, single submitter. Criteria: Ambry Variant Classification Scheme 2023. Collection method: clinical testing. Allele origin: germline. Not counted in ClinVar's aggregate classification.

ARUP Laboratories, Molecular Genetics and Genomics, ARUP Laboratories
Classification: Benign. Last evaluated: 2021-05-12. Review status: criteria provided, single submitter. Criteria: ARUP Molecular Germline Variant Investigation Process 2021. Collection method: clinical testing. Allele origin: germline. Not counted in ClinVar's aggregate classification.

Genome Diagnostics Laboratory, The Hospital for Sick Children
Classification: Benign for Noonan syndrome and Noonan-related syndrome. Last evaluated: 2021-01-15. Review status: criteria provided, single submitter. Criteria: ACMG Guidelines, 2015. Collection method: clinical testing. Allele origin: germline. Not counted in ClinVar's aggregate classification.

Center for Advanced Laboratory Medicine, UC San Diego Health, University of California San Diego
Classification: Benign for Cardiomyopathy. Last evaluated: 2019-01-31. Review status: criteria provided, single submitter. Criteria: ACMG Guidelines, 2015. Collection method: clinical testing. Allele origin: germline. Affected: yes. Observed: 1 variant allele. Not counted in ClinVar's aggregate classification.

Women's Health and Genetics/Laboratory Corporation of America, LabCorp
Classification: Benign. Last evaluated: 2017-07-17. Review status: criteria provided, single submitter. Criteria: LabCorp Variant Classification Summary - May 2015. Collection method: clinical testing. Allele origin: germline. Not counted in ClinVar's aggregate classification.
Comment: Variant summary: The BRAF c.64G>A (p.Asp22Asn) variant involves the alteration of a conserved nucleotide and 2/4 in silico tools (SNPsandGO not captured due to low reliability index)predict a benign outcome. However, these predictions have yet to be functionally assessed. This variant was found in 106/151790 control chromosomes, predominantly observed in East Asian subpopulation at a frequency of 0.009248 (102/11030). This frequency is about 3699 times the estimated maximal expected allele frequency of a pathogenic BRAF variant (0.0000025), suggesting this is likely a benign polymorphism found primarily in population(s) of East Asian origin. Multiple publications have cited the variant in individuals affected with various cancers indicated predominantly being a somatic occurrence, although limited information as to whether the variant was eliminated from being a germline occurrence was indicated. Multiple clinical diagnostic laboratories have conflicting classifications "benign" or "uncertain significance." However, due the high occurrence in controls and the co-occurrence with a pathogenic PTPN11 variant, the variant of interest has been classified as Benign.

GeneDx
Classification: Benign. Last evaluated: 2016-05-31. Review status: criteria provided, single submitter. Criteria: GeneDx Variant Classification (06012015). Collection method: clinical testing. Allele origin: germline. Affected: yes. Not counted in ClinVar's aggregate classification.
Comment: This variant is considered likely benign or benign based on one or more of the following criteria: it is a conservative change, it occurs at a poorly conserved position in the protein, it is predicted to be benign by multiple in silico algorithms, and/or has population frequency not consistent with disease.

Breakthrough Genomics
Classification: Benign. Review status: criteria provided, single submitter. Criteria: ACMG Guidelines, 2015. Collection method: not provided. Allele origin: germline. Inheritance: Autosomal dominant inheritance. Affected: yes. Not counted in ClinVar's aggregate classification.

PreventionGenetics, part of Exact Sciences
Classification: Benign for BRAF-related condition. Last evaluated: 2019-08-09. Review status: no assertion criteria provided. Collection method: clinical testing. Allele origin: germline. Not counted in ClinVar's aggregate classification.
Comment: This variant is classified as benign based on ACMG/AMP sequence variant interpretation guidelines (Richards et al. 2015 PMID: 25741868, with internal and published modifications).

ITMI
No classification provided. Condition: AllHighlyPenetrant. Last evaluated: 2013-09-19. Review status: no classification provided. Collection method: reference population. Allele origin: germline. Not counted in ClinVar's aggregate classification.
Comment: Please see associated publication for description of ethnicities

Laboratory for Molecular Medicine, Mass General Brigham Personalized Medicine
Classification: Uncertain significance. Last evaluated: 2015-02-19. Review status: flagged submission. Criteria: LMM Criteria. Collection method: clinical testing. Allele origin: germline. Observed: 4 variant alleles. Not counted in ClinVar's aggregate classification.
Comment: proposed classification - variant undergoing re-assessment, contact laboratory
ClinVar note: Reason: Conflicts with expert reviewed submission without evidence to support different classification

Literature cited by the submitters: PubMed 24728327 (cited by 4 submitters); PubMed 26530882 (cited by Ambry Genetics and Women's Health and Genetics/Laboratory Corporation of America, LabCorp); PubMed 26580448 (cited by Ambry Genetics and Women's Health and Genetics/Laboratory Corporation of America, LabCorp); PubMed 26260725 (cited by Women's Health and Genetics/Laboratory Corporation of America, LabCorp); PubMed 26848617 (cited by Women's Health and Genetics/Laboratory Corporation of America, LabCorp).

NM_004333.6(BRAF):c.64G>A (p.Asp22Asn)

Gene: BRAF (B-Raf proto-oncogene, serine/threonine kinase; minus strand). Cytogenetic location: 7q34.
Variant type: single nucleotide variant.
Coding change: c.64G>A on transcript NM_004333.6 (MANE Select); coding-DNA position 64, G replaced by A.
Protein change: p.Asp22Asn; replaces aspartic acid 22 with asparagine.
Molecular consequence: missense variant.
Genome position (GRCh38, 1-based): chr7:140,924,640, C>T on the plus strand (G>A on the coding strand, the complement: BRAF is on the minus strand). VCF-style: chr7-140924640-C-T. GRCh37 (hg19) VCF-style: chr7-140624440-C-T.
Other names: p.D22N:GAC>AAC; NM_004333.4(BRAF):c.64G>A; c.64G>A, p.Asp22Asn (NM_001354609.2, NM_001374244.1, NM_001374258.1 and 7 more transcripts); short protein forms D22N.
Identifiers: ClinVar variation 40335 (VCV000040335.54), dbSNP rs397507456, ClinGen allele CA135131.
Genomic context (GRCh38, chr7:140,924,640, plus strand): 5'-CAGGGTCCGCAGCCGAAGAGGCCGCGGCGCCGGCGCCGGCGCCGGCCTCGGGCTCCATGT[C>T]CCCGTTGAACAGAGCCTGGCCCGGCTCCGCGCCGCCACCACCGCCACCGCTCAGCGCCGC-3'
Protein context (NP_004324.2, residues 12-32): AEPGQALFNG[Asp22Asn]MEPEAGAGAG